The following is an entry in ClinVar:

ClinVar aggregate classification (germline): Uncertain significance (1 of 4 stars; one submission).

Conditions:
CFI-related disorder. Also called: CFI-related condition; CFI-related disorders. Identifiers: MedGen CN239325.

Submission:

Genomenon, Inc
Classification: Uncertain significance for CFI-related disorder. Last evaluated: 2025-09-26. Review status: criteria provided, single submitter. Criteria: Genomenon Sequence Variant Interpretation Standards - Updated. Collection method: curation. Allele origin: germline. Affected: no.
Comment: CFI p.Glu288Gln (c.862G>C) is a missense variant that changes the amino acid at residue 288 from Glutamic acid to Glutamine. This variant has been reported in the published literature (PMID:20044478;21316765). The variant is located in a mutational hotspot. It is absent or not present at a significant frequency in gnomAD. In conclusion, we classify CFI p.Glu288Gln (c.862G>C) as a variant of unknown significance.

Literature cited by the submitters: PubMed 20044478; 21316765.

NM_000204.5(CFI):c.862G>C (p.Glu288Gln)

Gene: CFI (complement factor I; minus strand). Cytogenetic location: 4q25.
Variant type: single nucleotide variant.
Coding change: c.862G>C on transcript NM_000204.5 (MANE Select); coding-DNA position 862, G replaced by C.
Protein change: p.Glu288Gln; replaces glutamic acid 288 with glutamine.
Molecular consequence: missense variant. On other transcripts: non-coding transcript variant (3).
Genome position (GRCh38, 1-based): chr4:109,760,291, C>G on the plus strand (G>C on the coding strand, the complement: CFI is on the minus strand). VCF-style: chr4-109760291-C-G. GRCh37 (hg19) VCF-style: chr4-110681447-C-G.
Other names: c.862G>C, p.Glu288Gln (NM_001318057.2, NM_001331035.2, NM_001375278.1 and 10 more transcripts); c.253G>C, p.Glu85Gln (NM_001375284.1); short protein forms E288Q, E85Q.
Identifiers: ClinVar variation 4280466 (VCV004280466.1).
Genomic context (GRCh38, chr4:109,760,291, plus strand): 5'-TCAATAATGAAAAAAAGTCACCCCAAGTCTTTCAATTACCTGCACAGCCAACTTCATCTT[C>G]CCCTGTAATGCAGTCCACCTCACCATTGCATTGATACTGGCTTGGAATGCAAACACCCGA-3'
Protein context (NP_000195.3, residues 278-298): CNGEVDCITG[Glu288Gln]DEVGCAGFAS